The following is an entry in ClinVar:

NM_000430.4(PAFAH1B1):c.449C>T (p.Thr150Ile)

Gene: PAFAH1B1 (platelet activating factor acetylhydrolase 1b regulatory subunit 1; plus strand). Cytogenetic location: 17p13.3.
Variant type: single nucleotide variant.
Coding change: c.449C>T on transcript NM_000430.4 (MANE Select); coding-DNA position 449, C replaced by T.
Protein change: p.Thr150Ile; replaces threonine 150 with isoleucine.
Molecular consequence: missense variant.
Genome position (GRCh38, 1-based): chr17:2,670,212, C>T. VCF-style: chr17-2670212-C-T. GRCh37 (hg19) VCF-style: chr17-2573506-C-T.
Other names: short protein forms T150I.
Identifiers: ClinVar variation 1474172 (VCV001474172.8), dbSNP rs1174082142, ClinGen allele CA397639970.

ClinVar aggregate classification (germline): Uncertain significance (1 of 4 stars; one submission).

Allele frequency attached by ClinVar (database versions not stated): gnomAD exomes below 0.00001 and 0.00001; TOPMed below 0.00001.
gnomAD v4.1: 15 of 1,614,042 alleles (0.00093%); highest among the groups gnomAD compares: South Asian, 0.0022%; no homozygotes.

Submission:

Labcorp Genetics (formerly Invitae), Labcorp
Classification: Uncertain significance. Last evaluated: 2023-12-19. Review status: criteria provided, single submitter. Criteria: Invitae Variant Classification Sherloc (09022015). Collection method: clinical testing. Allele origin: germline.
Comment: This sequence change replaces threonine, which is neutral and polar, with isoleucine, which is neutral and non-polar, at codon 150 of the PAFAH1B1 protein (p.Thr150Ile). This variant is present in population databases (no rsID available, gnomAD 0.002%). This variant has not been reported in the literature in individuals affected with PAFAH1B1-related conditions. ClinVar contains an entry for this variant (Variation ID: 1474172). An algorithm developed to predict the effect of missense changes on protein structure and function (PolyPhen-2) suggests that this variant is likely to be disruptive. In summary, the available evidence is currently insufficient to determine the role of this variant in disease. Therefore, it has been classified as a Variant of Uncertain Significance.